The following is an entry in ClinVar:

NM_001355436.2(SPTB):c.5017G>A (p.Ala1673Thr)

Gene: SPTB (spectrin beta, erythrocytic; minus strand). Cytogenetic location: 14q23.3.
Variant type: single nucleotide variant.
Coding change: c.5017G>A on transcript NM_001355436.2 (MANE Select); coding-DNA position 5017, G replaced by A.
Protein change: p.Ala1673Thr; replaces alanine 1673 with threonine.
Molecular consequence: missense variant.
Genome position (GRCh38, 1-based): chr14:64,773,381, C>T on the plus strand (G>A on the coding strand, the complement: SPTB is on the minus strand). VCF-style: chr14-64773381-C-T. GRCh37 (hg19) VCF-style: chr14-65240099-C-T.
Other names: p.Ala1673Thr; c.5017G>A, p.Ala1673Thr (NM_001024858.4, NM_001355437.2); short protein forms A1673T.
Identifiers: ClinVar variation 4541846 (VCV004541846.1).

ClinVar aggregate classification (germline): Uncertain significance (1 of 4 stars; one submission).

gnomAD v4.1: 36 of 1,614,176 alleles (0.0022%); highest among the groups gnomAD compares: Non-Finnish European, 0.0026%; no homozygotes.

Submission:

Mayo Clinic Laboratories, Mayo Clinic
Classification: Uncertain significance. Last evaluated: 2025-03-04. Review status: criteria provided, single submitter. Criteria: ACMG Guidelines, 2015. Collection method: clinical testing. Allele origin: germline. Observed: 1 variant allele.
Comment: PM2_supporting